The following is an entry in ClinVar:

NM_001375808.2(LPIN2):c.1735T>C (p.Ser579Pro)

Gene: LPIN2 (lipin 2; minus strand). Cytogenetic location: 18p11.31.
Variant type: single nucleotide variant.
Coding change: c.1735T>C on transcript NM_001375808.2 (MANE Select); coding-DNA position 1735, T replaced by C.
Protein change: p.Ser579Pro; replaces serine 579 with proline.
Molecular consequence: missense variant.
Genome position (GRCh38, 1-based): chr18:2,926,781, A>G on the plus strand (T>C on the coding strand, the complement: LPIN2 is on the minus strand). VCF-style: chr18-2926781-A-G. GRCh37 (hg19) VCF-style: chr18-2926779-A-G.
Other names: c.1735T>C, p.Ser579Pro (NM_001375809.1, NM_014646.2); short protein forms S579P.
Identifiers: ClinVar variation 234339 (VCV000234339.72), dbSNP rs150022314, ClinGen allele CA8872979.
Genomic context (GRCh38, chr18:2,926,781, plus strand): 5'-ACCTGGCACCGGCCGGCTCCTTGGAGCTGGATGGCAGGTCACTGGCTGGCGGTGCCTCAG[A>G]TTTTCCCTCCTTGGATTCTGGCAGCTGTAACAGCAAGATGATAATGGCAACATGCAATTT-3'
Protein context (NP_001362737.1, residues 569-589): KQLPESKEGK[Ser579Pro]EAPPASDLPS

ClinVar aggregate classification (germline): Benign/Likely benign. Review status: criteria provided, multiple submitters, no conflicts (2 of 4 stars). 12 submissions from 12 submitters: Benign (3); Likely benign (7). 2 of the submissions do not count toward it. Last evaluated 2026-03-01.

Conditions:
Autoinflammatory syndrome. Identifiers: Orphanet 93665, MedGen C3890737, MONDO:0019751.
LPIN2-related disorder. Also called: LPIN2-related condition.
Majeed syndrome (MJDS). Also called: LPIN2-Related Majeed Syndrome; CHRONIC RECURRENT MULTIFOCAL OSTEOMYELITIS 1, WITH CONGENITAL DYSERYTHROPOIETIC ANEMIA, WITH OR WITHOUT NEUTROPHILIC DERMATOSIS. Identifiers: Orphanet 77297, MedGen C1864997, MONDO:0012316, OMIM 609628.

Allele frequency attached by ClinVar (database versions not stated): 1000 Genomes Project 0.00080; 1000 Genomes Project 30x 0.00109; ESP Exome Variant Server 0.00169; TOPMed 0.00214; gnomAD 0.00217 and 0.00221.
gnomAD v4.1: 4,782 of 1,613,748 alleles (0.3%); highest among the groups gnomAD compares: Non-Finnish European, 0.37%; 14 homozygotes.

Submissions (12):

CeGaT Center for Human Genetics Tuebingen
Classification: Likely benign. Last evaluated: 2026-03-01. Review status: criteria provided, single submitter. Criteria: CeGaT Center For Human Genetics Tuebingen Variant Classification Criteria Version 2. Collection method: clinical testing. Allele origin: germline. Affected: yes. Observed: 12 variant alleles.
Comment: LPIN2: BP4, BS2

Labcorp Genetics (formerly Invitae), Labcorp
Classification: Benign for Majeed syndrome. Last evaluated: 2026-02-02. Review status: criteria provided, single submitter. Criteria: Invitae Variant Classification Sherloc (09022015). Collection method: clinical testing. Allele origin: germline.

ARUP Laboratories, Molecular Genetics and Genomics, ARUP Laboratories
Classification: Likely benign for Majeed syndrome. Last evaluated: 2025-07-03. Review status: criteria provided, single submitter. Criteria: ARUP Molecular Germline Variant Investigation Process 2024. Collection method: clinical testing. Allele origin: germline.

Blueprint Genetics
Classification: Likely benign. Last evaluated: 2024-11-27. Review status: criteria provided, single submitter. Criteria: ACMG Guidelines, 2015. Collection method: clinical testing. Allele origin: germline.

Genome Diagnostics Laboratory, The Hospital for Sick Children
Classification: Benign for Autoinflammatory syndrome. Last evaluated: 2022-04-19. Review status: criteria provided, single submitter. Criteria: ACMG Guidelines, 2015. Collection method: clinical testing. Allele origin: germline. Affected: yes.

Mayo Clinic Laboratories, Mayo Clinic
Classification: Benign. Last evaluated: 2021-08-17. Review status: criteria provided, single submitter. Criteria: ACMG Guidelines, 2015. Collection method: clinical testing. Allele origin: germline. Observed: 6 variant alleles.
Comment: BS1, BS2, BP4

GeneDx
Classification: Likely benign. Last evaluated: 2021-03-05. Review status: criteria provided, single submitter. Criteria: GeneDx Variant Classification Process June 2021. Collection method: clinical testing. Allele origin: germline. Affected: yes.
Comment: This variant is associated with the following publications: (PMID: 27565549)

Illumina Laboratory Services, Illumina
Classification: Likely benign for Majeed syndrome. Last evaluated: 2018-01-13. Review status: criteria provided, single submitter. Criteria: ICSL Variant Classification Criteria 13 December 2019. Collection method: clinical testing. Allele origin: germline.
Comment: This variant was observed in the ICSL laboratory as part of a predisposition screen in an ostensibly healthy population. It had not been previously curated by ICSL or reported in the Human Gene Mutation Database (HGMD: prior to June 1st, 2018), and was therefore a candidate for classification through an automated scoring system. Utilizing variant allele frequency, disease prevalence and penetrance estimates, and inheritance mode, an automated score was calculated to assess if this variant is too frequent to cause the disease. Based on the score and internal cut-off values, a variant classified as likely benign is not then subjected to further curation. The score for this variant resulted in a classification of likely benign for this disease.

Clinical Genetics DNA and cytogenetics Diagnostics Lab, Erasmus MC, Erasmus Medical Center
Classification: Likely benign for Majeed syndrome. Last evaluated: 2016-07-25. Review status: criteria provided, single submitter. Criteria: ACGS Guidelines, 2013. Collection method: clinical testing. Allele origin: germline. Affected: yes. Study: VKGL Data-share Consensus.

Genome Diagnostics Laboratory, University Medical Center Utrecht
Classification: Likely benign for Majeed syndrome. Last evaluated: 2014-10-09. Review status: criteria provided, single submitter. Criteria: ACGS Guidelines, 2013. Collection method: clinical testing. Allele origin: germline. Affected: yes. Study: VKGL Data-share Consensus.

PreventionGenetics, part of Exact Sciences
Classification: Likely benign for LPIN2-related condition. Last evaluated: 2022-07-07. Review status: no assertion criteria provided. Collection method: clinical testing. Allele origin: germline. Not counted in ClinVar's aggregate classification.
Comment: This variant is classified as likely benign based on ACMG/AMP sequence variant interpretation guidelines (Richards et al. 2015 PMID: 25741868, with internal and published modifications).

Laboratory of Diagnostic Genome Analysis, Leiden University Medical Center (LUMC)
Classification: Likely benign. Review status: no assertion criteria provided. Collection method: clinical testing. Allele origin: germline. Affected: yes. Study: VKGL Data-share Consensus. Not counted in ClinVar's aggregate classification.